The following is an entry in ClinVar:

ClinVar aggregate classification (germline): Uncertain significance. Review status: criteria provided, multiple submitters, no conflicts (2 of 4 stars). 2 submissions from 2 submitters: Uncertain significance (2). Last evaluated 2024-12-02.

Conditions:
Congenital myasthenic syndrome 2A. Also called: Myasthenic syndrome, congenital, 2a, slow-channel. Identifiers: Orphanet 590, MedGen C4225374, MONDO:0014581, OMIM 616313.
Inborn genetic diseases. Identifiers: MedGen C0950123, MeSH D030342.

gnomAD v4.1: 2 of 1,614,110 alleles (0.00012%); highest among the groups gnomAD compares: Admixed American, 0.0033%; no homozygotes.

Submissions (2):

Ambry Genetics
Classification: Uncertain significance for Inborn genetic diseases. Last evaluated: 2024-12-02. Review status: criteria provided, single submitter. Criteria: Ambry Variant Classification Scheme 2023. Collection method: clinical testing. Allele origin: germline.

Labcorp Genetics (formerly Invitae), Labcorp
Classification: Uncertain significance for Congenital myasthenic syndrome 2A. Last evaluated: 2024-08-01. Review status: criteria provided, single submitter. Criteria: Invitae Variant Classification Sherloc (09022015). Collection method: clinical testing. Allele origin: germline.
Comment: This sequence change replaces threonine, which is neutral and polar, with asparagine, which is neutral and polar, at codon 320 of the CHRNB1 protein (p.Thr320Asn). This variant is present in population databases (rs761535567, gnomAD 0.006%). This variant has not been reported in the literature in individuals affected with CHRNB1-related conditions. Advanced modeling of protein sequence and biophysical properties (such as structural, functional, and spatial information, amino acid conservation, physicochemical variation, residue mobility, and thermodynamic stability) performed at Invitae indicates that this missense variant is expected to disrupt CHRNB1 protein function with a positive predictive value of 80%. In summary, the available evidence is currently insufficient to determine the role of this variant in disease. Therefore, it has been classified as a Variant of Uncertain Significance.

NM_000747.3(CHRNB1):c.959C>A (p.Thr320Asn)

Gene: CHRNB1 (cholinergic receptor nicotinic beta 1 subunit; plus strand). Cytogenetic location: 17p13.1.
Variant type: single nucleotide variant.
Coding change: c.959C>A on transcript NM_000747.3 (MANE Select); coding-DNA position 959, C replaced by A.
Protein change: p.Thr320Asn; replaces threonine 320 with asparagine.
Molecular consequence: missense variant.
Genome position (GRCh38, 1-based): chr17:7,454,435, C>A. VCF-style: chr17-7454435-C-A. GRCh37 (hg19) VCF-style: chr17-7357754-C-A.
Other names: short protein forms T320N.
Identifiers: ClinVar variation 3492573 (VCV003492573.3).